The following is an entry in ClinVar:

NM_020884.7(MYH7B):c.5035C>G (p.Gln1679Glu)

Gene: MYH7B (myosin heavy chain 7B; plus strand). Cytogenetic location: 20q11.22.
Variant type: single nucleotide variant.
Coding change: c.5035C>G on transcript NM_020884.7 (MANE Select); coding-DNA position 5035, C replaced by G.
Protein change: p.Gln1679Glu; replaces glutamine 1679 with glutamic acid.
Molecular consequence: missense variant.
Genome position (GRCh38, 1-based): chr20:35,000,546, C>G. VCF-style: chr20-35000546-C-G. GRCh37 (hg19) VCF-style: chr20-33588349-C-G.
Other names: c.5161C>G (NM_020884.3); short protein forms Q1679E.
Identifiers: ClinVar variation 1399766 (VCV001399766.7), dbSNP rs769626099, ClinGen allele CA9828405.
Genomic context (GRCh38, chr20:35,000,546, plus strand): 5'-GAGGAGCAGGCAGGGCGGGACGAGGAGCAGCGGCTGGCAGCTGAGCTCCACGAGCAGGCG[C>G]AGGCTCTGGAGCGCCGGGCCTCGCTGCTGGCTGCGGAGCTGGAGGAGCTGCGGGCTGCCC-3'
Protein context (NP_065935.4, residues 1669-1689): RLAAELHEQA[Gln1679Glu]ALERRASLLA

ClinVar aggregate classification (germline): Uncertain significance. Review status: criteria provided, multiple submitters, no conflicts (2 of 4 stars). 2 submissions from 2 submitters: Uncertain significance (2). Last evaluated 2026-02-03.

Allele frequency attached by ClinVar (database versions not stated): gnomAD 0.00003; ExAC 0.00004; gnomAD exomes 0.00004 and 0.00009; TOPMed 0.00004.
gnomAD v4.1: 28 of 1,584,626 alleles (0.0018%); highest among the groups gnomAD compares: Admixed American, 0.046%; no homozygotes.

Submissions (2):

Labcorp Genetics (formerly Invitae), Labcorp
Classification: Uncertain significance. Last evaluated: 2026-02-03. Review status: criteria provided, single submitter. Criteria: Invitae Variant Classification Sherloc (09022015). Collection method: clinical testing. Allele origin: germline.
Comment: This sequence change replaces glutamine, which is neutral and polar, with glutamic acid, which is acidic and polar, at codon 1721 of the MYH7B protein (p.Gln1721Glu). This variant is present in population databases (rs769626099, gnomAD 0.05%). This variant has not been reported in the literature in individuals affected with MYH7B-related conditions. ClinVar contains an entry for this variant (Variation ID: 1399766). Invitae Evidence Modeling of protein sequence and biophysical properties (such as structural, functional, and spatial information, amino acid conservation, physicochemical variation, residue mobility, and thermodynamic stability) indicates that this missense variant is not expected to disrupt MYH7B protein function with a negative predictive value of 80%. In summary, the available evidence is currently insufficient to determine the role of this variant in disease. Therefore, it has been classified as a Variant of Uncertain Significance.

Ambry Genetics
Classification: Uncertain significance. Last evaluated: 2025-03-11. Review status: criteria provided, single submitter. Criteria: Ambry Variant Classification Scheme 2023. Collection method: clinical testing. Allele origin: germline.